The following is an entry in ClinVar:

NM_000083.3(CLCN1):c.407A>C (p.Asp136Ala)

Gene: CLCN1 (chloride voltage-gated channel 1; plus strand). Cytogenetic location: 7q34.
Variant type: single nucleotide variant.
Coding change: c.407A>C on transcript NM_000083.3 (MANE Select); coding-DNA position 407, A replaced by C.
Protein change: p.Asp136Ala; replaces aspartic acid 136 with alanine.
Molecular consequence: missense variant. On other transcripts: non-coding transcript variant (1).
Genome position (GRCh38, 1-based): chr7:143,320,769, A>C. VCF-style: chr7-143320769-A-C. GRCh37 (hg19) VCF-style: chr7-143017862-A-C.
Other names: c.407A>C (NM_000083.2); short protein forms D136A.
Identifiers: ClinVar variation 2945993 (VCV002945993.4), dbSNP rs2487029840, ClinGen allele CA369682677.

ClinVar aggregate classification (germline): Uncertain significance. Review status: criteria provided, multiple submitters, no conflicts (2 of 4 stars). 2 submissions from 2 submitters: Uncertain significance (2). Last evaluated 2023-10-18.

Conditions:
Congenital myotonia, autosomal dominant form (THD). Also called: THOMSEN DISEASE; Myotonia congenita autosomal dominant. Identifiers: Orphanet 614, MedGen C2936781, MONDO:0008055, OMIM 160800.
Congenital myotonia, autosomal recessive form. Also called: BECKER DISEASE; Becker Generalized Myotonia; myotonia congenita, autosomal recessive. Identifiers: Orphanet 614, MedGen C0751360, MONDO:0009715, OMIM 255700.

Submissions (2):

GeneDx
Classification: Uncertain significance. Last evaluated: 2023-10-18. Review status: criteria provided, single submitter. Criteria: GeneDx Variant Classification Process June 2021. Collection method: clinical testing. Allele origin: germline. Affected: yes.
Comment: Not observed at significant frequency in large population cohorts (gnomAD); In silico analysis supports that this missense variant has a deleterious effect on protein structure/function; Has not been previously published as pathogenic or benign to our knowledge

Labcorp Genetics (formerly Invitae), Labcorp
Classification: Uncertain significance for Congenital myotonia, autosomal recessive form; Congenital myotonia, autosomal dominant form. Last evaluated: 2023-03-30. Review status: criteria provided, single submitter. Criteria: Invitae Variant Classification Sherloc (09022015). Collection method: clinical testing. Allele origin: germline.
Comment: This sequence change replaces aspartic acid, which is acidic and polar, with alanine, which is neutral and non-polar, at codon 136 of the CLCN1 protein (p.Asp136Ala). This variant is not present in population databases (gnomAD no frequency). This variant has not been reported in the literature in individuals affected with CLCN1-related conditions. Advanced modeling of protein sequence and biophysical properties (such as structural, functional, and spatial information, amino acid conservation, physicochemical variation, residue mobility, and thermodynamic stability) performed at Invitae indicates that this missense variant is expected to disrupt CLCN1 protein function. In summary, the available evidence is currently insufficient to determine the role of this variant in disease. Therefore, it has been classified as a Variant of Uncertain Significance.